The following is an entry in ClinVar:

NM_001148.6(ANK2):c.3764C>T (p.Ala1255Val)

Gene: ANK2 (ankyrin 2; plus strand). Cytogenetic location: 4q26.
Variant type: single nucleotide variant.
Coding change: c.3764C>T on transcript NM_001148.6 (MANE Select); coding-DNA position 3764, C replaced by T.
Protein change: p.Ala1255Val; replaces alanine 1255 with valine.
Molecular consequence: missense variant.
Genome position (GRCh38, 1-based): chr4:113,336,749, C>T. VCF-style: chr4-113336749-C-T. GRCh37 (hg19) VCF-style: chr4-114257905-C-T.
Other names: c.3737C>T, p.Ala1246Val (NM_001127493.3); c.3776C>T, p.Ala1259Val (NM_001354225.2); c.3665C>T, p.Ala1222Val (NM_001354228.2, NM_001354258.2); c.3743C>T, p.Ala1248Val (NM_001354230.2); c.3806C>T, p.Ala1269Val (NM_001354231.2, NM_001354242.2); c.3800C>T, p.Ala1267Val (NM_001354232.2); c.3761C>T, p.Ala1254Val (NM_001354235.2, NM_001354246.2, NM_001354265.2); c.3662C>T, p.Ala1221Val (NM_001354236.2); and 31 more; short protein forms A1155V, A1184V, A1189V, A1193V, A1200V, A1208V, A1221V, A1222V.
Identifiers: ClinVar variation 2585812 (VCV002585812.3), dbSNP rs1216782321, ClinGen allele CA357938857.

ClinVar aggregate classification (germline): Uncertain significance. Review status: criteria provided, multiple submitters, no conflicts (2 of 4 stars). 2 submissions from 2 submitters: Uncertain significance (2). Last evaluated 2024-12-17.

Conditions:
Cardiovascular phenotype. Identifiers: MedGen CN230736.

Allele frequency attached by ClinVar (database versions not stated): gnomAD exomes below 0.00001; gnomAD 0.00001.
gnomAD v4.1: 9 of 1,613,992 alleles (0.00056%); highest among the groups gnomAD compares: Non-Finnish European, 0.00076%; no homozygotes.

Submissions (2):

Women's Health and Genetics/Laboratory Corporation of America, LabCorp
Classification: Uncertain significance. Last evaluated: 2024-12-17. Review status: criteria provided, single submitter. Criteria: LabCorp Variant Classification Summary - May 2015. Collection method: clinical testing. Allele origin: germline.

Ambry Genetics
Classification: Uncertain significance for Cardiovascular phenotype. Last evaluated: 2023-09-05. Review status: criteria provided, single submitter. Criteria: Ambry Variant Classification Scheme 2023. Collection method: clinical testing. Allele origin: germline.
Comment: The p.A1255V variant (also known as c.3764C>T), located in coding exon 31 of the ANK2 gene, results from a C to T substitution at nucleotide position 3764. The alanine at codon 1255 is replaced by valine, an amino acid with similar properties. This amino acid position is not well conserved in available vertebrate species. In addition, the in silico prediction for this alteration is inconclusive. Since supporting evidence is limited at this time, the clinical significance of this alteration remains unclear.